The following is an entry in ClinVar:

ClinVar aggregate classification (germline): Uncertain significance (1 of 4 stars; one submission).

gnomAD v4.1: 9 of 1,614,214 alleles (0.00056%); highest among the groups gnomAD compares: South Asian, 0.0066%; no homozygotes.

Submission:

Labcorp Genetics (formerly Invitae), Labcorp
Classification: Uncertain significance. Last evaluated: 2025-12-15. Review status: criteria provided, single submitter. Criteria: Invitae Variant Classification Sherloc (09022015). Collection method: clinical testing. Allele origin: germline.
Comment: This sequence change replaces glutamine, which is neutral and polar, with histidine, which is basic and polar, at codon 281 of the NDE1 protein (p.Gln281His). This variant is present in population databases (rs754159826, gnomAD 0.01%). This variant has not been reported in the literature in individuals affected with NDE1-related conditions. Invitae Evidence Modeling of protein sequence and biophysical properties (such as structural, functional, and spatial information, amino acid conservation, physicochemical variation, residue mobility, and thermodynamic stability) indicates that this missense variant is not expected to disrupt NDE1 protein function with a negative predictive value of 80%. In summary, the available evidence is currently insufficient to determine the role of this variant in disease. Therefore, it has been classified as a Variant of Uncertain Significance.

NM_017668.3(NDE1):c.843G>T (p.Gln281His)

Gene: NDE1 (nudE neurodevelopment protein 1; plus strand). Cytogenetic location: 16p13.11.
Variant type: single nucleotide variant.
Coding change: c.843G>T on transcript NM_017668.3 (MANE Select); coding-DNA position 843, G replaced by T.
Protein change: p.Gln281His; replaces glutamine 281 with histidine.
Molecular consequence: missense variant.
Genome position (GRCh38, 1-based): chr16:15,696,756, G>T. VCF-style: chr16-15696756-G-T. GRCh37 (hg19) VCF-style: chr16-15790613-G-T.
Other names: c.843G>T, p.Gln281His (NM_001143979.2); short protein forms Q281H.
Identifiers: ClinVar variation 4709108 (VCV004709108.1).